The following is an entry in ClinVar:

ClinVar aggregate classification (germline): Uncertain significance (1 of 4 stars; one submission).

Conditions:
Atrioventricular septal defect 5 (AVSD5). Identifiers: MedGen C3280939, MONDO:0013769, OMIM 614474.

gnomAD v4.1: 4 of 1,614,116 alleles (0.00025%); highest among the groups gnomAD compares: Non-Finnish European, 0.00034%; no homozygotes.

Submission:

Labcorp Genetics (formerly Invitae), Labcorp
Classification: Uncertain significance for Atrioventricular septal defect 5. Last evaluated: 2025-12-14. Review status: criteria provided, single submitter. Criteria: Invitae Variant Classification Sherloc (09022015). Collection method: clinical testing. Allele origin: germline.
Comment: This sequence change replaces valine, which is neutral and non-polar, with glutamic acid, which is acidic and polar, at codon 545 of the GATA6 protein (p.Val545Glu). This variant is present in population databases (rs750440428, gnomAD 0.0009%). This variant has not been reported in the literature in individuals affected with GATA6-related conditions. ClinVar contains an entry for this variant (Variation ID: 2723181). Invitae Evidence Modeling of protein sequence and biophysical properties (such as structural, functional, and spatial information, amino acid conservation, physicochemical variation, residue mobility, and thermodynamic stability) indicates that this missense variant is not expected to disrupt GATA6 protein function with a negative predictive value of 80%. In summary, the available evidence is currently insufficient to determine the role of this variant in disease. Therefore, it has been classified as a Variant of Uncertain Significance.

NM_005257.6(GATA6):c.1634T>A (p.Val545Glu)

Gene: GATA6 (GATA binding protein 6; plus strand). Cytogenetic location: 18q11.2.
Variant type: single nucleotide variant.
Coding change: c.1634T>A on transcript NM_005257.6 (MANE Select); coding-DNA position 1634, T replaced by A.
Protein change: p.Val545Glu; replaces valine 545 with glutamic acid.
Molecular consequence: missense variant.
Genome position (GRCh38, 1-based): chr18:22,200,669, T>A. VCF-style: chr18-22200669-T-A. GRCh37 (hg19) VCF-style: chr18-19780632-T-A.
Other names: short protein forms V545E.
Identifiers: ClinVar variation 2723181 (VCV002723181.3), dbSNP rs750440428, ClinGen allele CA8909057.